The following is an entry in ClinVar:

NM_001029858.4(SLC35F1):c.56C>G (p.Pro19Arg)

Gene: SLC35F1 (solute carrier family 35 member F1; plus strand). Cytogenetic location: 6q22.2.
Variant type: single nucleotide variant.
Coding change: c.56C>G on transcript NM_001029858.4 (MANE Select); coding-DNA position 56, C replaced by G.
Protein change: p.Pro19Arg; replaces proline 19 with arginine.
Molecular consequence: missense variant.
Genome position (GRCh38, 1-based): chr6:117,907,782, C>G. VCF-style: chr6-117907782-C-G. GRCh37 (hg19) VCF-style: chr6-118228945-C-G.
Other names: c.56C>G, p.Pro19Arg (NM_001415931.1); short protein forms P19R.
Identifiers: ClinVar variation 2672161 (VCV002672161.1), dbSNP rs979887993, ClinGen allele CA146457933.

ClinVar aggregate classification (germline): Uncertain significance (1 of 4 stars; one submission).

gnomAD v4.1: 6 of 1,561,524 alleles (0.00038%); highest among the groups gnomAD compares: African/African-American, 0.0014%; no homozygotes.

Submission:

Clinical Genomics Laboratory, Washington University in St. Louis
Classification: Uncertain significance. Last evaluated: 2023-10-19. Review status: criteria provided, single submitter. Criteria: ACMG Guidelines, 2015. Collection method: clinical testing. Allele origin: germline.
Comment: The SLC35F1 c.56C>G (p.Pro19Arg) variant, to our knowledge, has not been reported in the medical literature and is absent from the general population (gnomAD v.2.1.1), indicating it is not a common variant. Computational predictors suggest that the variant does not impact SLC35F1 function. Due to limited information, the clinical significance of this variant is uncertain.